The following is an entry in ClinVar:

ClinVar aggregate classification (germline): Uncertain significance (1 of 4 stars; one submission).

Conditions:
Long QT syndrome (LQTS). Identifiers: MedGen C0023976, MeSH D008133, MONDO:0002442. Disease mechanism: loss of function. Inheritance: Various modes of inheritance.

gnomAD v4.1: 1 of 1,613,248 alleles (0.000062%); highest among the groups gnomAD compares: Non-Finnish European, 0.000085%; no homozygotes.

Submission:

Labcorp Genetics (formerly Invitae), Labcorp
Classification: Uncertain significance for Long QT syndrome. Last evaluated: 2022-01-02. Review status: criteria provided, single submitter. Criteria: Invitae Variant Classification Sherloc (09022015). Collection method: clinical testing. Allele origin: germline.
Comment: Algorithms developed to predict the effect of missense changes on protein structure and function output the following: SIFT: "Tolerated"; PolyPhen-2: "Benign"; Align-GVGD: "Class C0". The glycine amino acid residue is found in multiple mammalian species, which suggests that this missense change does not adversely affect protein function. In summary, the available evidence is currently insufficient to determine the role of this variant in disease. Therefore, it has been classified as a Variant of Uncertain Significance. This variant has not been reported in the literature in individuals affected with CACNA1C-related conditions. This variant is not present in population databases (gnomAD no frequency). This sequence change replaces serine, which is neutral and polar, with glycine, which is neutral and non-polar, at codon 2005 of the CACNA1C protein (p.Ser2005Gly).

NM_000719.7(CACNA1C):c.6013A>G (p.Ser2005Gly)

Genes: CACNA1C (calcium voltage-gated channel subunit alpha1 C; plus strand), CACNA1C-AS1 (CACNA1C antisense RNA 1; minus strand). Cytogenetic location: 12p13.33.
Variant type: single nucleotide variant.
Coding change: c.6013A>G on transcript NM_000719.7 (MANE Select); coding-DNA position 6013, A replaced by G.
Protein change: p.Ser2005Gly; replaces serine 2005 with glycine.
Molecular consequence: missense variant.
Genome position (GRCh38, 1-based): chr12:2,688,675, A>G. VCF-style: chr12-2688675-A-G. GRCh37 (hg19) VCF-style: chr12-2797841-A-G.
Other names: c.6157A>G, p.Ser2053Gly (NM_001129827.2); c.6136A>G, p.Ser2046Gly (NM_001129829.2); c.6118A>G, p.Ser2040Gly (NM_001129830.3, NM_001167624.3); c.6097A>G, p.Ser2033Gly (NM_001129831.2); c.6073A>G, p.Ser2025Gly (NM_001129832.2); c.6070A>G, p.Ser2024Gly (NM_001129833.2, NM_001129834.2, NM_001129835.2); c.6013A>G, p.Ser2005Gly (NM_001167623.2, NM_001129840.2, NM_001129841.2 and 2 more transcripts); c.6193A>G, p.Ser2065Gly (NM_001167625.2); and 6 more; short protein forms S1994G, S2002G, S2046G, S2088G, S2013G, S2024G, S2065G, S2011G.
Identifiers: ClinVar variation 1494972 (VCV001494972.6), dbSNP rs2153866835, ClinGen allele CA383385127.